The following is an entry in ClinVar:

NM_000222.3(KIT):c.2899T>C (p.Ser967Pro)

Gene: KIT (KIT proto-oncogene, receptor tyrosine kinase; plus strand). Cytogenetic location: 4q12.
Variant type: single nucleotide variant.
Coding change: c.2899T>C on transcript NM_000222.3 (MANE Select); coding-DNA position 2899, T replaced by C.
Protein change: p.Ser967Pro; replaces serine 967 with proline.
Molecular consequence: missense variant.
Genome position (GRCh38, 1-based): chr4:54,738,525, T>C. VCF-style: chr4-54738525-T-C. GRCh37 (hg19) VCF-style: chr4-55604691-T-C.
Other names: c.2887T>C, p.Ser963Pro (NM_001093772.2, NM_001385292.1); c.2902T>C, p.Ser968Pro (NM_001385284.1); c.2896T>C, p.Ser966Pro (NM_001385285.1); c.2884T>C, p.Ser962Pro (NM_001385286.1); c.2890T>C, p.Ser964Pro (NM_001385288.1); c.2899T>C, p.Ser967Pro (NM_001385290.1); short protein forms S963P, S966P, S968P, S964P, S967P, S962P.
Identifiers: ClinVar variation 4645237 (VCV004645237.1).

ClinVar aggregate classification (germline): Uncertain significance (1 of 4 stars; one submission).

Conditions:
Hereditary cancer-predisposing syndrome. Also called: Neoplastic Syndromes, Hereditary; Tumor predisposition; Hereditary Cancer Syndrome; Hereditary neoplastic syndrome. Identifiers: Orphanet 140162, MedGen C0027672, MeSH D009386, MONDO:0015356.

Submission:

Ambry Genetics
Classification: Uncertain significance for Hereditary cancer-predisposing syndrome. Last evaluated: 2025-11-08. Review status: criteria provided, single submitter. Criteria: Ambry Variant Classification Scheme 2023. Collection method: clinical testing. Allele origin: germline.
Comment: The p.S967P variant (also known as c.2899T>C), located in coding exon 21 of the KIT gene, results from a T to C substitution at nucleotide position 2899. The serine at codon 967 is replaced by proline, an amino acid with similar properties. This amino acid position is conserved. In addition, this alteration is predicted to be tolerated by in silico analysis. Based on the available evidence, the clinical significance of this variant remains unclear.